The following is an entry in ClinVar:

ClinVar aggregate classification (germline): Uncertain significance (1 of 4 stars; one submission).

Conditions:
Intellectual developmental disorder, X-linked, syndromic, Stocco dos Santos type. Also called: STOCCO DOS SANTOS X-LINKED MENTAL RETARDATION SYNDROME; Stocco dos Santos syndrome; X-linked intellectual disability, Stocco dos Santos type. Identifiers: Orphanet 85288, MedGen C1845530, MONDO:0010325, OMIM 300434.

Allele frequency attached by ClinVar (database versions not stated): gnomAD exomes 0.00001.
gnomAD v4.1: 3 of 1,211,962 alleles (0.00025%); highest among the groups gnomAD compares: South Asian, 0.0053%; no homozygotes.

Submission:

Neuberg Centre For Genomic Medicine, NCGM
Classification: Uncertain significance for Intellectual developmental disorder, X-linked, syndromic, Stocco dos Santos type. Review status: criteria provided, single submitter. Criteria: ACMG Guidelines, 2015. Collection method: clinical testing. Allele origin: germline. Inheritance: Autosomal recessive inheritance. Affected: yes.
Comment: The missense variant c.4388T>C(p.Ile1463Thr) in SHROOM4 gene has not been reported previously as a pathogenic variant nor as a benign variant, to our knowledge. The variant is reported with 0.001% allele frequency in gnomAD and is absent in 1000 Genomes. The amino acid Isoleucine at position 1463 is changed to a Threonine changing protein sequence and it might alter its composition and physico-chemical properties. The variant is predicted to be damaging by SIFT. The amino acid change p.Ile1463Thr in SHROOM4 is predicted as conserved by GERP++ and PhyloP across 100 vertebrates. For these reasons, this variant has been classified as Uncertain Significance.

NM_020717.5(SHROOM4):c.4388T>C (p.Ile1463Thr)

Gene: SHROOM4 (shroom family member 4; minus strand). Cytogenetic location: Xp11.22.
Variant type: single nucleotide variant.
Coding change: c.4388T>C on transcript NM_020717.5 (MANE Select); coding-DNA position 4388, T replaced by C.
Protein change: p.Ile1463Thr; replaces isoleucine 1463 with threonine.
Molecular consequence: missense variant. On other transcripts: non-coding transcript variant (4).
Genome position (GRCh38, 1-based): chrX:50,596,789, A>G on the plus strand (T>C on the coding strand, the complement: SHROOM4 is on the minus strand). VCF-style: chrX-50596789-A-G. GRCh37 (hg19) VCF-style: chrX-50339789-A-G.
Other names: short protein forms I1463T.
Identifiers: ClinVar variation 3242058 (VCV003242058.1), dbSNP rs1557246763.